The following is an entry in ClinVar:

NM_022575.4(VPS16):c.554del (p.Gln185fs)

Gene: VPS16 (VPS16 core subunit of CORVET and HOPS complexes; plus strand). Cytogenetic location: 20p13.
Variant type: Deletion.
Coding change: c.554del on transcript NM_022575.4 (MANE Select); coding-DNA position 554, one base deleted (A; older notation c.554delA).
Protein change: p.Gln185fs; shifts the reading frame from glutamine 185.
Molecular consequence: frameshift variant.
Genome position (GRCh38, 1-based): chr20:2,860,787, A deleted. VCF-style (leftmost placement, unchanged base first): chr20-2860786-CA-C. GRCh37 (hg19) VCF-style: chr20-2841432-CA-C.
Other names: c.554del, p.Gln185fs (NM_080413.3); short protein forms Q185fs.
Identifiers: ClinVar variation 4072542 (VCV004072542.1).

ClinVar aggregate classification (germline): Uncertain significance (1 of 4 stars; one submission).

Submission:

GeneDx
Classification: Uncertain significance. Last evaluated: 2025-01-28. Review status: criteria provided, single submitter. Criteria: GeneDx Variant Classification Process June 2021. Collection method: clinical testing. Allele origin: germline. Affected: yes.
Comment: Not observed at significant frequency in large population cohorts (gnomAD); Frameshift variant predicted to result in protein truncation or nonsense mediated decay in a gene or region of a gene for which loss of function is not a well-established mechanism of disease; Has not been previously published as pathogenic or benign to our knowledge